The following is an entry in ClinVar:

ClinVar aggregate classification (germline): Uncertain significance (1 of 4 stars; one submission).

Submission:

Labcorp Genetics (formerly Invitae), Labcorp
Classification: Uncertain significance. Last evaluated: 2023-04-20. Review status: criteria provided, single submitter. Criteria: Invitae Variant Classification Sherloc (09022015). Collection method: clinical testing. Allele origin: germline.
Comment: In summary, the available evidence is currently insufficient to determine the role of this variant in disease. Therefore, it has been classified as a Variant of Uncertain Significance. An algorithm developed to predict the effect of missense changes on protein structure and function (PolyPhen-2) suggests that this variant is likely to be disruptive. This variant has not been reported in the literature in individuals affected with IL2RB-related conditions. This variant is not present in population databases (gnomAD no frequency). This sequence change replaces serine, which is neutral and polar, with alanine, which is neutral and non-polar, at codon 323 of the IL2RB protein (p.Ser323Ala).

NM_000878.5(IL2RB):c.967T>G (p.Ser323Ala)

Gene: IL2RB (interleukin 2 receptor subunit beta; minus strand). Cytogenetic location: 22q12.3.
Variant type: single nucleotide variant.
Coding change: c.967T>G on transcript NM_000878.5 (MANE Select); coding-DNA position 967, T replaced by G.
Protein change: p.Ser323Ala; replaces serine 323 with alanine.
Molecular consequence: missense variant.
Genome position (GRCh38, 1-based): chr22:37,128,785, A>C on the plus strand (T>G on the coding strand, the complement: IL2RB is on the minus strand). VCF-style: chr22-37128785-A-C. GRCh37 (hg19) VCF-style: chr22-37524825-A-C.
Other names: c.967T>G, p.Ser323Ala (NM_001346222.1, NM_001346223.2); short protein forms S323A.
Identifiers: ClinVar variation 2857653 (VCV002857653.3), dbSNP rs2517833355, ClinGen allele CA411425841.